The following is an entry in ClinVar:

ClinVar aggregate classification (germline): Likely benign. Review status: criteria provided, multiple submitters, no conflicts (2 of 4 stars). 3 submissions from 3 submitters: Likely benign (2). 1 of the submissions does not count toward it. Last evaluated 2026-01-30.

Conditions:
MEGF8-related disorder. Also called: MEGF8-related condition.
MEGF8-related Carpenter syndrome. Also called: Carpenter syndrome 2. Identifiers: Orphanet 65759, MedGen C3554247, MONDO:0013998, OMIM 614976.

Allele frequency attached by ClinVar (database versions not stated): gnomAD 0.00003 and 0.00004; gnomAD exomes 0.00007 and 0.00010; TOPMed 0.00007; ExAC 0.00012.
gnomAD v4.1: 143 of 1,609,230 alleles (0.0089%); highest among the groups gnomAD compares: East Asian, 0.042%; no homozygotes.

Submissions (3):

Labcorp Genetics (formerly Invitae), Labcorp
Classification: Likely benign for MEGF8-related Carpenter syndrome. Last evaluated: 2026-01-30. Review status: criteria provided, single submitter. Criteria: Invitae Variant Classification Sherloc (09022015). Collection method: clinical testing. Allele origin: germline.

Breakthrough Genomics
Classification: Likely benign. Review status: criteria provided, single submitter. Criteria: ACMG Guidelines, 2015. Collection method: not provided. Allele origin: germline. Inheritance: Autosomal recessive inheritance. Affected: yes.

PreventionGenetics, part of Exact Sciences
Classification: Likely benign for MEGF8-related condition. Last evaluated: 2019-06-06. Review status: no assertion criteria provided. Collection method: clinical testing. Allele origin: germline. Not counted in ClinVar's aggregate classification.
Comment: This variant is classified as likely benign based on ACMG/AMP sequence variant interpretation guidelines (Richards et al. 2015 PMID: 25741868, with internal and published modifications).

NM_001271938.2(MEGF8):c.2961C>T (p.His987=)

Gene: MEGF8 (multiple EGF like domains 8; plus strand). Cytogenetic location: 19q13.2.
Variant type: single nucleotide variant.
Coding change: c.2961C>T on transcript NM_001271938.2 (MANE Select); coding-DNA position 2961, C replaced by T.
Protein change: p.His987=; no amino-acid change (histidine 987 retained).
Molecular consequence: synonymous variant.
Genome position (GRCh38, 1-based): chr19:42,351,534, C>T. VCF-style: chr19-42351534-C-T. GRCh37 (hg19) VCF-style: chr19-42855686-C-T.
Other names: c.2760C>T, p.His920= (NM_001410.3).
Identifiers: ClinVar variation 772894 (VCV000772894.12), dbSNP rs760802467, ClinGen allele CA9474848.